The following is an entry in ClinVar:

ClinVar aggregate classification (germline): Conflicting classifications of pathogenicity. Review status: criteria provided, conflicting classifications (1 of 4 stars). 12 submissions from 12 submitters: Uncertain significance (10); Likely benign (2). Last evaluated 2026-08-03.

Conditions:
IGHMBP2-related disorder. Also called: IGHMBP2-related disorders; IGHMBP2-related condition.
Inborn genetic diseases. Identifiers: MedGen C0950123, MeSH D030342.
Autosomal recessive distal spinal muscular atrophy 1. Also called: NEURONOPATHY, SEVERE INFANTILE AXONAL, WITH RESPIRATORY FAILURE; SEVERE INFANTILE AXONAL NEUROPATHY WITH RESPIRATORY FAILURE; SPINAL MUSCULAR ATROPHY, DIAPHRAGMATIC; Spinal muscular atrophy with respiratory distress 1; NEURONOPATHY, DISTAL HEREDITARY MOTOR, HARDING TYPE VI; NEUROPATHY, DISTAL HEREDITARY MOTOR, AUTOSOMAL RECESSIVE 1. Identifiers: Orphanet 98920, MedGen C1858517, MONDO:0011436, OMIM 604320.
Charcot-Marie-Tooth disease axonal type 2S. Also called: CHARCOT-MARIE-TOOTH NEUROPATHY, TYPE 2S; CHARCOT-MARIE-TOOTH DISEASE, AXONAL, AUTOSOMAL RECESSIVE, TYPE 2S. Identifiers: Orphanet 443073, MedGen C4015349, MONDO:0014511, OMIM 616155.
Charcot-Marie-Tooth disease. Also called: Charcot-Marie-Tooth Hereditary Neuropathy; Charcot-Marie-Tooth Neuropathy. Identifiers: Orphanet 166, MedGen C0007959, MONDO:0015626.

Allele frequency attached by ClinVar (database versions not stated): gnomAD 0.00052 and 0.00065; ESP Exome Variant Server 0.00069; TOPMed 0.00081; gnomAD exomes 0.00089; ExAC 0.00095; 1000 Genomes Project 0.00100; 1000 Genomes Project 30x 0.00125.
gnomAD v4.1: 1,135 of 1,614,256 alleles (0.07%); highest among the groups gnomAD compares: Middle Eastern, 0.51%; 1 homozygote.

Submissions (12):

GeneDx
Classification: Uncertain significance. Last evaluated: 2026-08-03. Review status: criteria provided, single submitter. Criteria: GeneDx Variant Classification Process June 2021. Collection method: clinical testing. Allele origin: germline.
Comment: Observed in two unrelated patients with IGHMBP2-related disorders in published literature (PMID: 26257172, 28251916); Reported previously as a variant of uncertain significance in patients with suspected Charcot-Marie-Tooth disease; however, it was unclear if a second variant was identified (PMID: 32376792, 26392352); Published functional studies suggested that this variant is partially functional (PMID: 36077311); In silico analysis supports that this missense variant has a deleterious effect on protein structure/function; This variant is associated with the following publications: (PMID: 28251916, 26257172, 25439726, 24388491, 22965130, 26392352, 36077311, 32376792)

CeGaT Center for Human Genetics Tuebingen
Classification: Uncertain significance. Last evaluated: 2026-06-01. Review status: criteria provided, single submitter. Criteria: CeGaT Center For Human Genetics Tuebingen Variant Classification Criteria Version 2. Collection method: clinical testing. Allele origin: germline. Affected: yes. Observed: 3 variant alleles.

Labcorp Genetics (formerly Invitae), Labcorp
Classification: Likely benign for Autosomal recessive distal spinal muscular atrophy 1; Charcot-Marie-Tooth disease axonal type 2S. Last evaluated: 2026-01-18. Review status: criteria provided, single submitter. Criteria: Invitae Variant Classification Sherloc (09022015). Collection method: clinical testing. Allele origin: germline.

Mayo Clinic Laboratories, Mayo Clinic
Classification: Uncertain significance. Last evaluated: 2025-08-19. Review status: criteria provided, single submitter. Criteria: ACMG Guidelines, 2015. Collection method: clinical testing. Allele origin: germline. Observed: 3 variant alleles.
Comment: BS1

PreventionGenetics, part of Exact Sciences
Classification: Likely benign for IGHMBP2-related condition. Last evaluated: 2025-05-02. Review status: criteria provided, single submitter. Criteria: ACMG Guidelines, 2015. Collection method: clinical testing. Allele origin: germline.
Comment: This variant is classified as likely benign based on ACMG/AMP sequence variant interpretation guidelines (Richards et al. 2015 PMID: 25741868, with internal and published modifications).

Revvity Omics, Revvity
Classification: Uncertain significance. Last evaluated: 2023-11-28. Review status: criteria provided, single submitter. Criteria: ACMG Guidelines, 2015. Collection method: clinical testing. Allele origin: germline.

Ambry Genetics
Classification: Uncertain significance for Inborn genetic diseases. Last evaluated: 2022-01-26. Review status: criteria provided, single submitter. Criteria: Ambry Variant Classification Scheme 2023. Collection method: clinical testing. Allele origin: germline.
Comment: The p.A256G variant (also known as c.767C>G), located in coding exon 6 of the IGHMBP2 gene, results from a C to G substitution at nucleotide position 767. The alanine at codon 256 is replaced by glycine, an amino acid with similar properties. This alteration was reported in a patient with congenital hypomyelinating neuropathy who also had two additional alterations in IGHMBP2 although parental samples were unavailable to determine phase (Gonzaga-Jauregui C et al. Cell Rep, 2015 Aug;12:1169-83). This amino acid position is highly conserved in available vertebrate species. In addition, the in silico prediction for this alteration is inconclusive. Since supporting evidence is limited at this time, the clinical significance of this alteration remains unclear.

Department of Pathology and Laboratory Medicine, Sinai Health System
Classification: Uncertain significance for Autosomal recessive distal spinal muscular atrophy 1; Charcot-Marie-Tooth disease axonal type 2S. Last evaluated: 2021-07-30. Review status: criteria provided, single submitter. Criteria: ACMG Guidelines, 2015. Collection method: research. Allele origin: germline.

Baylor Genetics
Classification: Uncertain significance for Charcot-Marie-Tooth disease axonal type 2S. Last evaluated: 2018-03-26. Review status: criteria provided, single submitter. Criteria: ACMG Guidelines, 2015. Collection method: clinical testing. Allele origin: unknown. Affected: yes.
Comment: This variant was determined to be of uncertain significance according to ACMG Guidelines, 2015 [PMID:25741868].

Illumina Laboratory Services, Illumina
Classification: Uncertain significance for Autosomal recessive distal spinal muscular atrophy 1. Last evaluated: 2018-01-13. Review status: criteria provided, single submitter. Criteria: ICSL Variant Classification Criteria 13 December 2019. Collection method: clinical testing. Allele origin: germline.

Genomic Diagnostic Laboratory, Division of Genomic Diagnostics, Children's Hospital of Philadelphia
Classification: Uncertain significance. Last evaluated: 2015-07-01. Review status: criteria provided, single submitter. Criteria: DGD Variant Analysis Guidelines. Collection method: clinical testing. Allele origin: unknown.

Molecular Genetics Laboratory, London Health Sciences Centre
Classification: Uncertain significance for Charcot-Marie-Tooth disease. Review status: criteria provided, single submitter. Criteria: ACMG Guidelines, 2015. Collection method: clinical testing. Allele origin: germline. Affected: yes.

Literature cited by the submitters: PubMed 26257172 (cited by Mayo Clinic Laboratories, Mayo Clinic and Ambry Genetics); PubMed 26392352 (cited by Mayo Clinic Laboratories, Mayo Clinic and Ambry Genetics); PubMed 28251916 (cited by Mayo Clinic Laboratories, Mayo Clinic and Ambry Genetics); PubMed 32376792 (cited by Mayo Clinic Laboratories, Mayo Clinic); PubMed 36077311 (cited by Mayo Clinic Laboratories, Mayo Clinic).

NM_002180.3(IGHMBP2):c.767C>G (p.Ala256Gly)

Gene: IGHMBP2 (immunoglobulin mu DNA binding protein 2; plus strand). Cytogenetic location: 11q13.3.
Variant type: single nucleotide variant.
Coding change: c.767C>G on transcript NM_002180.3 (MANE Select); coding-DNA position 767, C replaced by G.
Protein change: p.Ala256Gly; replaces alanine 256 with glycine.
Molecular consequence: missense variant.
Genome position (GRCh38, 1-based): chr11:68,914,878, C>G. VCF-style: chr11-68914878-C-G. GRCh37 (hg19) VCF-style: chr11-68682346-C-G.
Other names: p.Ala256Gly; short protein forms A256G.
Identifiers: ClinVar variation 218603 (VCV000218603.76), dbSNP rs148095551, ClinGen allele CA249155.